The following is an entry in ClinVar:

ClinVar aggregate classification (germline): Uncertain significance (1 of 4 stars; one submission).

Conditions:
Idiopathic generalized epilepsy. Also called: Generalised epilepsy; EIG. Identifiers: MedGen C0270850, MONDO:0005579, OMIM 600669.

gnomAD v4.1: 6 of 1,577,778 alleles (0.00038%); highest among the groups gnomAD compares: Non-Finnish European, 0.00051%; no homozygotes.

Submission:

Labcorp Genetics (formerly Invitae), Labcorp
Classification: Uncertain significance for Idiopathic generalized epilepsy. Last evaluated: 2026-01-05. Review status: criteria provided, single submitter. Criteria: Invitae Variant Classification Sherloc (09022015). Collection method: clinical testing. Allele origin: germline.
Comment: This sequence change replaces alanine, which is neutral and non-polar, with serine, which is neutral and polar, at codon 305 of the RBFOX1 protein (p.Ala305Ser). This variant is not present in population databases (gnomAD no frequency). This variant has not been reported in the literature in individuals affected with RBFOX1-related conditions. ClinVar contains an entry for this variant (Variation ID: 2878530). Invitae Evidence Modeling of protein sequence and biophysical properties (such as structural, functional, and spatial information, amino acid conservation, physicochemical variation, residue mobility, and thermodynamic stability) indicates that this missense variant is not expected to disrupt RBFOX1 protein function with a negative predictive value of 80%. In summary, the available evidence is currently insufficient to determine the role of this variant in disease. Therefore, it has been classified as a Variant of Uncertain Significance.

NM_018723.4(RBFOX1):c.853G>T (p.Ala285Ser)

Gene: RBFOX1 (RNA binding fox-1 homolog 1; plus strand). Cytogenetic location: 16p13.3.
Variant type: single nucleotide variant.
Coding change: c.853G>T on transcript NM_018723.4 (MANE Select); coding-DNA position 853, G replaced by T.
Protein change: p.Ala285Ser; replaces alanine 285 with serine.
Molecular consequence: missense variant.
Genome position (GRCh38, 1-based): chr16:7,653,910, G>T. VCF-style: chr16-7653910-G-T. GRCh37 (hg19) VCF-style: chr16-7703912-G-T.
Other names: c.982G>T, p.Ala328Ser (NM_001415895.1, NM_001308117.1, NM_001411047.1 and 1 more transcripts); c.913G>T, p.Ala305Ser (NM_001415896.1, NM_001415904.1, NM_145891.3 and 2 more transcripts); c.901G>T, p.Ala301Ser (NM_001415897.1, NM_001415907.1); c.961G>T, p.Ala321Ser (NM_001415898.1, NM_001415889.1, NM_001415892.1 and 1 more transcripts); c.928G>T, p.Ala310Ser (NM_001415899.1, NM_001415901.1, NM_001415890.1 and 1 more transcripts); c.880G>T, p.Ala294Ser (NM_001415900.1, NM_001415909.1); c.859G>T, p.Ala287Ser (NM_001415902.1, NM_001415911.1); c.847G>T, p.Ala283Ser (NM_001415903.1, NM_001415913.1); and 12 more; short protein forms A290S, A294S, A301S, A310S, A457S, A484S, A279S, A328S.
Identifiers: ClinVar variation 2878530 (VCV002878530.3), dbSNP rs544967209, ClinGen allele CA394683681.